The following is an entry in ClinVar:

ClinVar aggregate classification (germline): Benign/Likely benign. Review status: criteria provided, multiple submitters, no conflicts (2 of 4 stars). 4 submissions from 4 submitters: Benign (2); Likely benign (2). Last evaluated 2026-06-12.

Conditions:
Hereditary cancer-predisposing syndrome. Also called: Neoplastic Syndromes, Hereditary; Hereditary neoplastic syndrome; Tumor predisposition; Hereditary Cancer Syndrome. Identifiers: Orphanet 140162, MedGen C0027672, MeSH D009386, MONDO:0015356.
Gastrointestinal stromal tumor. Also called: Gastrointestinal stromal tumor, somatic; Gastrointestinal stroma tumor. Identifiers: Orphanet 44890, MedGen C0238198, MeSH D046152, MONDO:0011719, OMIM 606764, HP:0100723.
Polyps, multiple and recurrent inflammatory fibroid, gastrointestinal. Identifiers: MedGen C5193005, MONDO:0008285, OMIM 175510.

Submissions (4):

Myriad Genetics, Inc.
Classification: Likely benign for Polyps, multiple and recurrent inflammatory fibroid, gastrointestinal. Last evaluated: 2026-06-12. Review status: criteria provided, single submitter. Criteria: Myriad Autosomal Dominant, Autosomal Recessive and X-Linked Classification Criteria (2023). Collection method: clinical testing. Allele origin: unknown.
Comment: This variant is considered likely benign. This variant is intronic and is not expected to impact mRNA splicing.

Labcorp Genetics (formerly Invitae), Labcorp
Classification: Benign for Gastrointestinal stromal tumor. Last evaluated: 2026-02-03. Review status: criteria provided, single submitter. Criteria: Invitae Variant Classification Sherloc (09022015). Collection method: clinical testing. Allele origin: germline.

Blueprint Genetics
Classification: Likely benign. Last evaluated: 2024-10-11. Review status: criteria provided, single submitter. Criteria: ACMG Guidelines, 2015. Collection method: clinical testing. Allele origin: germline.

Ambry Genetics
Classification: Benign for Hereditary cancer-predisposing syndrome. Last evaluated: 2024-03-20. Review status: criteria provided, single submitter. Criteria: Ambry Variant Classification Scheme 2023. Collection method: clinical testing. Allele origin: germline.

NM_006206.6(PDGFRA):c.629-5dup

Gene: PDGFRA (platelet derived growth factor receptor alpha; plus strand). Cytogenetic location: 4q12.
Variant type: Duplication.
Coding change: c.629-5dup on transcript NM_006206.6 (MANE Select); 5 bases into the intron before coding-DNA position 629, one base duplicated (T; older notation c.629-5dupT).
Molecular consequence: intron variant.
Genome position (GRCh38, 1-based): chr4:54,264,914, T duplicated; the last of 6 consecutive T bases (chr4:54,264,909-54,264,914); duplicating any one gives the same sequence. VCF-style (leftmost placement, unchanged base first): chr4-54264908-C-CT. GRCh37 (hg19) VCF-style: chr4-55131075-C-CT.
Other names: c.704-5dup (NM_001347828.2); c.629-5dup (NM_001347827.2, NM_001347829.2); c.668-5dup (NM_001347830.2); c.629-5dupT (NM_006206.4).
Identifiers: ClinVar variation 1619803 (VCV001619803.11), dbSNP rs578115976, ClinGen allele CA2922344.